The following is an entry in ClinVar:

NM_003242.6(TGFBR2):c.1525-91C>A

Gene: TGFBR2 (transforming growth factor beta receptor 2; plus strand). Cytogenetic location: 3p24.1.
Variant type: single nucleotide variant.
Coding change: c.1525-91C>A on transcript NM_003242.6 (MANE Select); 91 bases into the intron before coding-DNA position 1525, C replaced by A.
Molecular consequence: intron variant.
Genome position (GRCh38, 1-based): chr3:30,691,329, C>A. VCF-style: chr3-30691329-C-A. GRCh37 (hg19) VCF-style: chr3-30732821-C-A.
Other names: c.1528-91C>A (NM_001407129.1); c.1420-91C>A (NM_001407132.1, NM_001407136.1, NM_001407133.1 and 2 more transcripts); c.1708-91C>A (NM_001407126.1); c.1600-91C>A (NM_001024847.3); c.655-91C>A (NM_001407139.1); c.1240-91C>A (NM_001407137.1); c.1633-91C>A (NM_001407127.1); c.1522-91C>A (NM_001407130.1); and 2 more.
Identifiers: ClinVar variation 2687926 (VCV002687926.2), dbSNP rs2276767, ClinGen allele CA324835.
Genomic context (GRCh38, chr3:30,691,329, plus strand): 5'-GCAGCAGCAGGCACTCAGTCAGCACATGTTAAATGCACAGGCACTTTTGGACCCTGCTTG[C>A]ACTCACTATAGCAACAAGGTCAGCAGGCCACCTTGCCTTCCGCGGAGCCCACCAACTCAT-3'

ClinVar aggregate classification (germline): Benign (1 of 4 stars; one submission).

Allele frequency attached by ClinVar (database versions not stated): 1000 Genomes Project 30x 0.15678; 1000 Genomes Project 0.15795; TOPMed 0.20166.
gnomAD v4.1: 409,354 of 1,427,188 alleles (29%); highest among the groups gnomAD compares: Non-Finnish European, 33%; 64,140 homozygotes.

Submission:

Unidad de Genómica Garrahan, Hospital de Pediatría Garrahan
Classification: Benign. Last evaluated: 2024-01-24. Review status: criteria provided, single submitter. Criteria: ACMG Guidelines, 2015. Collection method: clinical testing. Allele origin: germline. Affected: no. Observed: 19 variant alleles.
Comment: This variant is classified as Benign based on local population frequency. This variant was detected in 20% of patients studied by a panel of primary immunodeficiencies. Number of patients: 19. Only high quality variants are reported.